The following is an entry in ClinVar:

ClinVar aggregate classification (germline): Uncertain significance. Review status: criteria provided, multiple submitters, no conflicts (2 of 4 stars). 4 submissions from 4 submitters: Uncertain significance (4). Last evaluated 2026-04-06.

Conditions:
PLEC-related disorder. Also called: PLEC-related disorders; PLEC-related condition.
Epidermolysis bullosa simplex 5B, with muscular dystrophy (EBS5B). Also called: EPIDERMOLYSIS BULLOSA SIMPLEX AND LIMB-GIRDLE MUSCULAR DYSTROPHY; Epidermolysis bullosa simplex with muscular dystrophy. Identifiers: Orphanet 257, MedGen C2931072, MONDO:0009181, OMIM 226670.
Epidermolysis bullosa simplex, Ogna type (EBS5A). Also called: EPIDERMOLYSIS BULLOSA SIMPLEX 5A, OGNA TYPE; Pidermolysis bullosa simplex 5A, Ogna type. Identifiers: Orphanet 79401, MedGen C0432317, MONDO:0007555, OMIM 131950.
Autosomal recessive limb-girdle muscular dystrophy type 2Q (LGMDR17). Also called: MUSCULAR DYSTROPHY, LIMB-GIRDLE, AUTOSOMAL RECESSIVE 17. Identifiers: Orphanet 254361, MedGen C3150989, MONDO:0013390, OMIM 613723.
Epidermolysis bullosa simplex 5C, with pyloric atresia (EBS5C). Also called: PLEC-Related Epidermolysis Bullosa with Pyloric Atresia; Epidermolysis bullosa simplex with pyloric atresia; PLEC1-Related Epidermolysis Bullosa with Pyloric Atresia. Identifiers: Orphanet 158684, MedGen C2677349, MONDO:0012807, OMIM 612138.
Epidermolysis bullosa simplex with nail dystrophy (EBS5D). Identifiers: MedGen C4225309, MONDO:0014661, OMIM 616487.

Allele frequency attached by ClinVar (database versions not stated): gnomAD 0.00003; gnomAD exomes 0.00003 and 0.00004; ExAC 0.00004; TOPMed 0.00004; 1000 Genomes Project 30x 0.00016; 1000 Genomes Project 0.00020.
gnomAD v4.1: 54 of 1,614,002 alleles (0.0033%); highest among the groups gnomAD compares: East Asian, 0.016%; no homozygotes.

Submissions (4):

PreventionGenetics, part of Exact Sciences
Classification: Uncertain significance for PLEC-related condition. Last evaluated: 2026-04-06. Review status: criteria provided, single submitter. Criteria: ACMG Guidelines, 2015. Collection method: clinical testing. Allele origin: germline.
Comment: The PLEC c.8602C>T variant is predicted to result in the amino acid substitution p.Arg2868Cys. To our knowledge, this variant has not been reported in the literature. This variant is reported in 0.020% of alleles in individuals of South Asian descent in gnomAD. At this time, the clinical significance of this variant is uncertain due to the absence of conclusive functional and genetic evidence.

Labcorp Genetics (formerly Invitae), Labcorp
Classification: Uncertain significance for Autosomal recessive limb-girdle muscular dystrophy type 2Q; Epidermolysis bullosa simplex, Ogna type; Epidermolysis bullosa simplex with nail dystrophy; Epidermolysis bullosa simplex 5C, with pyloric atresia; Epidermolysis bullosa simplex 5B, with muscular dystrophy. Last evaluated: 2025-06-12. Review status: criteria provided, single submitter. Criteria: Invitae Variant Classification Sherloc (09022015). Collection method: clinical testing. Allele origin: germline.
Comment: This sequence change replaces arginine, which is basic and polar, with cysteine, which is neutral and slightly polar, at codon 2868 of the PLEC protein (p.Arg2868Cys). This variant is present in population databases (rs539060494, gnomAD 0.02%). This variant has not been reported in the literature in individuals affected with PLEC-related conditions. ClinVar contains an entry for this variant (Variation ID: 1014435). An algorithm developed to predict the effect of missense changes on protein structure and function (PolyPhen-2) suggests that this variant is likely to be disruptive. In summary, the available evidence is currently insufficient to determine the role of this variant in disease. Therefore, it has been classified as a Variant of Uncertain Significance.

CeGaT Center for Human Genetics Tuebingen
Classification: Uncertain significance. Last evaluated: 2023-01-01. Review status: criteria provided, single submitter. Criteria: CeGaT Center For Human Genetics Tuebingen Variant Classification Criteria Version 2. Collection method: clinical testing. Allele origin: germline. Affected: yes. Observed: 1 variant allele.
Comment: PLEC: PM2, BP1, BP4

Revvity Omics, Revvity
Classification: Uncertain significance. Last evaluated: 2020-03-13. Review status: criteria provided, single submitter. Criteria: ACMG Guidelines, 2015. Collection method: clinical testing. Allele origin: germline.

NM_201384.3(PLEC):c.8521C>T (p.Arg2841Cys)

Gene: PLEC (plectin; minus strand). Cytogenetic location: 8q24.3.
Variant type: single nucleotide variant.
Coding change: c.8521C>T on transcript NM_201384.3 (MANE Select); coding-DNA position 8521, C replaced by T.
Protein change: p.Arg2841Cys; replaces arginine 2841 with cysteine.
Molecular consequence: missense variant.
Genome position (GRCh38, 1-based): chr8:143,921,300, G>A on the plus strand (C>T on the coding strand, the complement: PLEC is on the minus strand). VCF-style: chr8-143921300-G-A. GRCh37 (hg19) VCF-style: chr8-144995468-G-A.
Other names: c.8602C>T, p.Arg2868Cys (NM_000445.5); c.8479C>T, p.Arg2827Cys (NM_201378.4); c.8455C>T, p.Arg2819Cys (NM_201379.3); c.8932C>T, p.Arg2978Cys (NM_201380.4); c.8425C>T, p.Arg2809Cys (NM_201381.3); c.8521C>T, p.Arg2841Cys (NM_201382.4); c.8533C>T, p.Arg2845Cys (NM_201383.3); c.8602C>T (NM_000445.4); short protein forms R2809C, R2819C, R2827C, R2841C, R2845C, R2868C, R2978C.
Identifiers: ClinVar variation 1014435 (VCV001014435.33), dbSNP rs539060494, ClinGen allele CA4925277.